The following is an entry in ClinVar:

ClinVar aggregate classification (germline): Uncertain significance (1 of 4 stars; one submission).

Conditions:
Progressive familial heart block type IB (PFHB1B). Identifiers: Orphanet 871, MedGen C1970298, MONDO:0011474, OMIM 604559.

gnomAD v4.1: 2 of 1,540,866 alleles (0.00013%); highest among the groups gnomAD compares: East Asian, 0.0048%; no homozygotes.

Submission:

Labcorp Genetics (formerly Invitae), Labcorp
Classification: Uncertain significance for Progressive familial heart block type IB. Last evaluated: 2025-07-08. Review status: criteria provided, single submitter. Criteria: Invitae Variant Classification Sherloc (09022015). Collection method: clinical testing. Allele origin: germline.
Comment: This sequence change replaces alanine, which is neutral and non-polar, with proline, which is neutral and non-polar, at codon 739 of the TRPM4 protein (p.Ala739Pro). This variant is present in population databases (no rsID available, gnomAD 0.02%). This variant has not been reported in the literature in individuals affected with TRPM4-related conditions. An algorithm developed to predict the effect of missense changes on protein structure and function (PolyPhen-2) suggests that this variant is likely to be tolerated. In summary, the available evidence is currently insufficient to determine the role of this variant in disease. Therefore, it has been classified as a Variant of Uncertain Significance.

NM_017636.4(TRPM4):c.2215G>C (p.Ala739Pro)

Gene: TRPM4 (transient receptor potential cation channel subfamily M member 4; plus strand). Cytogenetic location: 19q13.33.
Variant type: single nucleotide variant.
Coding change: c.2215G>C on transcript NM_017636.4 (MANE Select); coding-DNA position 2215, G replaced by C.
Protein change: p.Ala739Pro; replaces alanine 739 with proline.
Molecular consequence: missense variant. On other transcripts: intron variant (1).
Genome position (GRCh38, 1-based): chr19:49,196,444, G>C. VCF-style: chr19-49196444-G-C. GRCh37 (hg19) VCF-style: chr19-49699701-G-C.
Other names: c.1870G>C, p.Ala624Pro (NM_001321281.2); c.607G>C, p.Ala203Pro (NM_001321282.2); c.1693G>C, p.Ala565Pro (NM_001321283.2); c.1153G>C, p.Ala385Pro (NM_001321285.2); c.2211-3856G>C (NM_001195227.2); short protein forms A203P, A565P, A385P, A624P, A739P.
Identifiers: ClinVar variation 4750989 (VCV004750989.1).